The following is an entry in ClinVar:

ClinVar aggregate classification (germline): Likely benign. Review status: criteria provided, multiple submitters, no conflicts (2 of 4 stars). 3 submissions from 3 submitters: Likely benign (3). Last evaluated 2026-07-29.

Conditions:
Charcot-Marie-Tooth disease axonal type 2P. Also called: Charcot-Marie-Tooth Neuropathy Type 2G; CHARCOT-MARIE-TOOTH NEUROPATHY, TYPE 2P; CHARCOT-MARIE-TOOTH DISEASE, AXONAL, TYPE 2G; CMT 2G. Identifiers: Orphanet 300319, Orphanet 99941, MedGen C3280797, MONDO:0013753, OMIM 614436.
LRSAM1-related disorder. Also called: LRSAM1-related condition.

Allele frequency attached by ClinVar (database versions not stated): ESP Exome Variant Server 0.00008; 1000 Genomes Project 30x 0.00016; 1000 Genomes Project 0.00020; gnomAD 0.00001 and 0.00003; TOPMed 0.00001; gnomAD exomes 0.00003; ExAC 0.00005.
gnomAD v4.1: 17 of 1,613,444 alleles (0.0011%); highest among the groups gnomAD compares: African/African-American, 0.0013%; no homozygotes.

Submissions (3):

PreventionGenetics, part of Exact Sciences
Classification: Likely benign for LRSAM1-related condition. Last evaluated: 2026-07-29. Review status: criteria provided, single submitter. Criteria: ACMG Guidelines, 2015. Collection method: clinical testing. Allele origin: germline.
Comment: This variant is classified as likely benign based on ACMG/AMP sequence variant interpretation guidelines (Richards et al. 2015 PMID: 25741868, with internal and published modifications).

Women's Health and Genetics/Laboratory Corporation of America, LabCorp
Classification: Likely benign. Last evaluated: 2026-03-25. Review status: criteria provided, single submitter. Criteria: LabCorp Variant Classification Summary - May 2015. Collection method: clinical testing. Allele origin: germline.

Labcorp Genetics (formerly Invitae), Labcorp
Classification: Likely benign for Charcot-Marie-Tooth disease axonal type 2P. Last evaluated: 2024-09-27. Review status: criteria provided, single submitter. Criteria: Invitae Variant Classification Sherloc (09022015). Collection method: clinical testing. Allele origin: germline.

NM_001005373.4(LRSAM1):c.1266C>T (p.Ala422=)

Gene: LRSAM1 (leucine rich repeat and sterile alpha motif containing 1; plus strand). Cytogenetic location: 9q33.3.
Variant type: single nucleotide variant.
Coding change: c.1266C>T on transcript NM_001005373.4 (MANE Select); coding-DNA position 1266, C replaced by T.
Protein change: p.Ala422=; no amino-acid change (alanine 422 retained).
Molecular consequence: synonymous variant. On other transcripts: non-coding transcript variant (2).
Genome position (GRCh38, 1-based): chr9:127,487,682, C>T. VCF-style: chr9-127487682-C-T. GRCh37 (hg19) VCF-style: chr9-130249961-C-T.
Other names: c.1266C>T, p.Ala422= (NM_001005374.4, NM_001190723.3, NM_001384142.1 and 2 more transcripts); c.477C>T, p.Ala159= (NM_001384144.1).
Identifiers: ClinVar variation 1107280 (VCV001107280.11), dbSNP rs144095352, ClinGen allele CA5246918.
Genomic context (GRCh38, chr9:127,487,682, plus strand): 5'-GTAGGTGCTCGGGAAACGTTCCAAGAATGAATGAATTTGCTGTCTTTCTGGCAGCATGGC[C>T]GAAATGGATGAACGATTCCAGCAGATTCTGTCGTGGCAGCAAATGGATCAGAACAAAGCC-3'
Protein context (NP_001005373.1, residues 412-432): NLVQQACSSM[Ala422=]EMDERFQQIL